The following is an entry in ClinVar:

NM_018979.4(WNK1):c.4069C>G (p.Pro1357Ala)

Gene: WNK1 (WNK lysine deficient protein kinase 1; plus strand). Cytogenetic location: 12p13.33.
Variant type: single nucleotide variant.
Coding change: c.4069C>G on transcript NM_018979.4 (MANE Select); coding-DNA position 4069, C replaced by G.
Protein change: p.Pro1357Ala; replaces proline 1357 with alanine.
Molecular consequence: missense variant.
Genome position (GRCh38, 1-based): chr12:884,873, C>G. VCF-style: chr12-884873-C-G. GRCh37 (hg19) VCF-style: chr12-994039-C-G.
Other names: c.4849C>G, p.Pro1617Ala (NM_001184985.2); c.3328C>G, p.Pro1110Ala (NM_014823.3); c.4825C>G, p.Pro1609Ala (NM_213655.5); short protein forms P1110A, P1357A, P1609A, P1617A.
Identifiers: ClinVar variation 857452 (VCV000857452.9), dbSNP rs1953512897, ClinGen allele CA383330497.

ClinVar aggregate classification (germline): Uncertain significance (1 of 4 stars; one submission).

Conditions:
Pseudohypoaldosteronism type 2C (PHA2C). Also called: Pseudohypoaldosteronism Type IIC. Identifiers: Orphanet 757, Orphanet 88940, MedGen C1840391, MONDO:0013778, OMIM 614492.
Neuropathy, hereditary sensory and autonomic, type 2A (HSAN2A). Also called: ACROOSTEOLYSIS, GIACCAI TYPE; ACROOSTEOLYSIS, NEUROGENIC; MORVAN DISEASE; NEUROPATHY, CONGENITAL SENSORY; NEUROPATHY, HEREDITARY SENSORY RADICULAR, AUTOSOMAL RECESSIVE; NEUROPATHY, HEREDITARY SENSORY, TYPE IIA. Identifiers: Orphanet 970, MedGen C2752089, MONDO:0024309, OMIM 201300.

Submission:

Labcorp Genetics (formerly Invitae), Labcorp
Classification: Uncertain significance for Neuropathy, hereditary sensory and autonomic, type 2A; Pseudohypoaldosteronism type 2C. Last evaluated: 2019-03-28. Review status: criteria provided, single submitter. Criteria: Invitae Variant Classification Sherloc (09022015). Collection method: clinical testing. Allele origin: germline.
Comment: This sequence change replaces proline with alanine at codon 1609 of the WNK1 protein (p.Pro1609Ala). The proline residue is highly conserved and there is a small physicochemical difference between proline and alanine. This variant is not present in population databases (ExAC no frequency). In summary, the available evidence is currently insufficient to determine the role of this variant in disease. Therefore, it has been classified as a Variant of Uncertain Significance. Algorithms developed to predict the effect of missense changes on protein structure and function are either unavailable or do not agree on the potential impact of this missense change (SIFT: "Deleterious"; PolyPhen-2: "Not Available"; Align-GVGD: "Class C25"). This variant has not been reported in the literature in individuals with WNK1-related conditions.